The following is an entry in ClinVar:

ClinVar aggregate classification (germline): Benign. Review status: criteria provided, multiple submitters, no conflicts (2 of 4 stars). 8 submissions from 8 submitters: Benign (7). 1 of the submissions does not count toward it. Last evaluated 2026-02-04.

Conditions:
Weaver syndrome (WVS). Also called: Weaver Smith syndrome; Overgrowth syndrome with accelerated skeletal maturation, unusual facies, and camptodactyly. Identifiers: Orphanet 3447, MedGen C0265210, MONDO:0010193, OMIM 277590.

Allele frequency attached by ClinVar (database versions not stated): TOPMed 0.05790; gnomAD 0.05998 and 0.06198; ESP Exome Variant Server 0.06036; gnomAD exomes 0.07461 and 0.07826; 1000 Genomes Project 30x 0.07480; ExAC 0.07864; 1000 Genomes Project 0.07987.
gnomAD v4.1: 118,808 of 1,612,676 alleles (7.4%); highest among the groups gnomAD compares: East Asian, 13%; 4,940 homozygotes.

Submissions (8):

Labcorp Genetics (formerly Invitae), Labcorp
Classification: Benign for Weaver syndrome. Last evaluated: 2026-02-04. Review status: criteria provided, single submitter. Criteria: Invitae Variant Classification Sherloc (09022015). Collection method: clinical testing. Allele origin: germline.

Blueprint Genetics
Classification: Benign. Last evaluated: 2024-11-27. Review status: criteria provided, single submitter. Criteria: ACMG Guidelines, 2015. Collection method: clinical testing. Allele origin: germline.

Eurofins Ntd Llc (ga)
Classification: Benign. Last evaluated: 2014-10-09. Review status: criteria provided, single submitter. Criteria: EGL Classification Definitions 2015. Collection method: clinical testing. Allele origin: germline. Observed: 1 variant allele, 1 heterozygote.

GeneDx
Classification: Benign. Last evaluated: 2014-03-11. Review status: criteria provided, single submitter. Criteria: GeneDx Variant Classification (06012015). Collection method: clinical testing. Allele origin: germline. Affected: yes.
Comment: This variant is considered likely benign or benign based on one or more of the following criteria: it is a conservative change, it occurs at a poorly conserved position in the protein, it is predicted to be benign by multiple in silico algorithms, and/or has population frequency not consistent with disease.

Genetic Services Laboratory, University of Chicago
Classification: Benign. Last evaluated: 2013-02-08. Review status: criteria provided, single submitter. Criteria: ACMG Guidelines, 2007. Collection method: clinical testing. Allele origin: germline. Inheritance: Autosomal dominant inheritance.

Breakthrough Genomics
Classification: Benign. Review status: criteria provided, single submitter. Criteria: ACMG Guidelines, 2015. Collection method: not provided. Allele origin: germline. Inheritance: Autosomal dominant inheritance. Affected: yes.

PreventionGenetics, part of Exact Sciences
Classification: Benign. Review status: criteria provided, single submitter. Criteria: ACMG Guidelines, 2015. Collection method: clinical testing. Allele origin: germline.

ITMI
No classification provided. Condition: AllHighlyPenetrant. Last evaluated: 2013-09-19. Review status: no classification provided. Collection method: reference population. Allele origin: germline. Not counted in ClinVar's aggregate classification.
Comment: Please see associated publication for description of ethnicities

Literature cited by the submitters: PubMed 24728327 (cited by ITMI).

NM_004456.5(EZH2):c.553G>C (p.Asp185His)

Gene: EZH2 (enhancer of zeste 2 polycomb repressive complex 2 subunit; minus strand). Cytogenetic location: 7q36.1.
Variant type: single nucleotide variant.
Coding change: c.553G>C on transcript NM_004456.5 (MANE Select); coding-DNA position 553, G replaced by C.
Protein change: p.Asp185His; replaces aspartic acid 185 with histidine.
Molecular consequence: missense variant.
Genome position (GRCh38, 1-based): chr7:148,828,812, C>G on the plus strand (G>C on the coding strand, the complement: EZH2 is on the minus strand). VCF-style: chr7-148828812-C-G. GRCh37 (hg19) VCF-style: chr7-148525904-C-G.
Other names: p.D185H:GAC>CAC; c.553G>C, p.Asp185His (NM_001203247.2); c.526G>C, p.Asp176His (NM_001203248.2, NM_001203249.2); c.436G>C, p.Asp146His (NM_152998.3); short protein forms D185H, D146H, D176H.
Identifiers: ClinVar variation 134224 (VCV000134224.22), dbSNP rs2302427, ClinGen allele CA159195.
Genomic context (GRCh38, chr7:148,828,812, plus strand): 5'-CCTCCAGATCTTTCTGCTTTTCTTCTCTTTCTTCAGGATCGTCTCCATCATCATCATCGT[C>G]ATCATCATTATATTGACCAAGGGCATTCACCAACTCCACAAAAATTTCATCATTTATAAA-3'
Protein context (NP_004447.2, residues 175-195): VNALGQYNDD[Asp185His]DDDDGDDPEE